The following is an entry in ClinVar:

NM_001206927.2(DNAH8):c.14100G>T (p.Val4700=)

Gene: DNAH8 (dynein axonemal heavy chain 8; plus strand). Cytogenetic location: 6p21.2.
Variant type: single nucleotide variant.
Coding change: c.14100G>T on transcript NM_001206927.2 (MANE Select); coding-DNA position 14100, G replaced by T.
Protein change: p.Val4700=; no amino-acid change (valine 4700 retained).
Molecular consequence: synonymous variant.
Genome position (GRCh38, 1-based): chr6:39,030,368, G>T. VCF-style: chr6-39030368-G-T. GRCh37 (hg19) VCF-style: chr6-38998144-G-T.
Other names: c.13449G>T, p.Val4483= (NM_001371.4).
Identifiers: ClinVar variation 414411 (VCV000414411.35), dbSNP rs113990988, ClinGen allele CA3791856.

ClinVar aggregate classification (germline): Benign/Likely benign. Review status: criteria provided, multiple submitters, no conflicts (2 of 4 stars). 4 submissions from 4 submitters: Benign (1); Likely benign (2). 1 of the submissions does not count toward it. Last evaluated 2026-02-01.

Conditions:
DNAH8-related disorder. Also called: DNAH8-related condition.
Primary ciliary dyskinesia. Also called: Ciliary dyskinesia. Identifiers: Orphanet 244, MedGen C0008780, MONDO:0016575, HP:0012265.

Allele frequency attached by ClinVar (database versions not stated): gnomAD exomes 0.00024 and 0.00066; ExAC 0.00083; gnomAD 0.00252 and 0.00263; TOPMed 0.00316; 1000 Genomes Project 0.00319; ESP Exome Variant Server 0.00354; 1000 Genomes Project 30x 0.00390.
gnomAD v4.1: 760 of 1,614,012 alleles (0.047%); highest among the groups gnomAD compares: African/African-American, 0.9%; 3 homozygotes.

Submissions (4):

Labcorp Genetics (formerly Invitae), Labcorp
Classification: Benign for Primary ciliary dyskinesia. Last evaluated: 2026-02-01. Review status: criteria provided, single submitter. Criteria: Invitae Variant Classification Sherloc (09022015). Collection method: clinical testing. Allele origin: germline.

Blueprint Genetics
Classification: Likely benign. Last evaluated: 2024-06-07. Review status: criteria provided, single submitter. Criteria: ACMG Guidelines, 2015. Collection method: clinical testing. Allele origin: germline.

CeGaT Center for Human Genetics Tuebingen
Classification: Likely benign. Last evaluated: 2023-12-01. Review status: criteria provided, single submitter. Criteria: CeGaT Center For Human Genetics Tuebingen Variant Classification Criteria Version 2. Collection method: clinical testing. Allele origin: germline. Affected: yes. Observed: 1 variant allele.
Comment: DNAH8: BP4, BP7

PreventionGenetics, part of Exact Sciences
Classification: Benign for DNAH8-related condition. Last evaluated: 2019-05-22. Review status: no assertion criteria provided. Collection method: clinical testing. Allele origin: germline. Not counted in ClinVar's aggregate classification.
Comment: This variant is classified as benign based on ACMG/AMP sequence variant interpretation guidelines (Richards et al. 2015 PMID: 25741868, with internal and published modifications).